The following is an entry in ClinVar:

ClinVar aggregate classification (germline): Conflicting classifications of pathogenicity. Review status: criteria provided, conflicting classifications (1 of 4 stars). 3 submissions from 3 submitters: Uncertain significance (1); Likely benign (1). 1 of the submissions does not count toward it. Last evaluated 2026-01-05.

Conditions:
CHD8-related disorder. Also called: CHD8-related condition; CHD8-related disorders.
Intellectual developmental disorder with autism and macrocephaly. Also called: Autism, susceptibility to, 18; CHD8-Related Neurodevelopmental Disorder with Overgrowth. Identifiers: Orphanet 642675, MedGen C3554373, MONDO:0014017, OMIM 615032.

Allele frequency attached by ClinVar (database versions not stated): ExAC 0.00001; TOPMed 0.00003; gnomAD 0.00004; gnomAD exomes 0.00008.
gnomAD v4.1: 124 of 1,602,380 alleles (0.0077%); highest among the groups gnomAD compares: Non-Finnish European, 0.0096%; no homozygotes.

Submissions (3):

Labcorp Genetics (formerly Invitae), Labcorp
Classification: Likely benign. Last evaluated: 2026-01-05. Review status: criteria provided, single submitter. Criteria: Invitae Variant Classification Sherloc (09022015). Collection method: clinical testing. Allele origin: germline.

ARUP Laboratories, Molecular Genetics and Genomics, ARUP Laboratories
Classification: Uncertain significance for Intellectual developmental disorder with autism and macrocephaly. Review status: criteria provided, single submitter. Criteria: ARUP Molecular Germline Variant Investigation Process 2024. Collection method: clinical testing. Allele origin: germline.
Comment: The CHD8 c.856C>T; p.Arg286Cys variant (rs762427755, ClinVar Variation ID: 2414488), also known as c.19C>T; p.Arg7Cys for NM_020920.4, is reported in the literature in at least one individual affected with autism (Merner 2016). This variant is found in the general population with an overall allele frequency of 0.000025 (6/244478 alleles) in the Genome Aggregation Database (v2.1.1). Computational analyses are uncertain whether this variant is neutral or deleterious (REVEL: 0.539). Due to limited information, the clinical significance of this variant is uncertain at this time. References: Merner N et al. A de novo frameshift mutation in chromodomain helicase DNA-binding domain 8 (CHD8): A case report and literature review. Am J Med Genet A. 2016 May;170A(5):1225-35. PMID: 26789910.

PreventionGenetics, part of Exact Sciences
Classification: Uncertain significance for CHD8-related condition. Last evaluated: 2024-01-15. Review status: no assertion criteria provided. Collection method: clinical testing. Allele origin: germline. Not counted in ClinVar's aggregate classification.
Comment: The CHD8 c.856C>T variant is predicted to result in the amino acid substitution p.Arg286Cys. In the literature this variant is also reported via an alternate transcript (NM_020920.3) as c.19C>T (p.Arg7Cys). This variant was reported to be paternally-inherited in an individual with autism spectrum disorder (Table 1, Merner et al. 2016. PubMed ID: 26789910). This variant is reported in 0.0059% of alleles in individuals of Latino descent in gnomAD. At this time, the clinical significance of this variant is uncertain due to the absence of conclusive functional and genetic evidence.

NM_001170629.2(CHD8):c.856C>T (p.Arg286Cys)

Gene: CHD8 (chromodomain helicase DNA binding protein 8; minus strand). Cytogenetic location: 14q11.2.
Variant type: single nucleotide variant.
Coding change: c.856C>T on transcript NM_001170629.2 (MANE Select); coding-DNA position 856, C replaced by T.
Protein change: p.Arg286Cys; replaces arginine 286 with cysteine.
Molecular consequence: missense variant.
Genome position (GRCh38, 1-based): chr14:21,429,323, G>A on the plus strand (C>T on the coding strand, the complement: CHD8 is on the minus strand). VCF-style: chr14-21429323-G-A. GRCh37 (hg19) VCF-style: chr14-21897482-G-A.
Other names: c.856C>T (NM_001170629.1); c.19C>T, p.Arg7Cys (NM_020920.4); short protein forms R286C, R7C.
Identifiers: ClinVar variation 2414488 (VCV002414488.8), dbSNP rs762427755, ClinGen allele CA7091875.
Genomic context (GRCh38, chr14:21,429,323, plus strand): 5'-CAACATGCCGATGTCCTTGGGGACCTCCAGACTGTGGCTGCTGGAGGACCAGGGTGATGC[G>A]TTTCGATTCACCCTAAAGTGAAGAAAGGAAATTGCAAGAGTACAACATTAAAGAATGGTA-3'
Protein context (NP_001164100.1, residues 276-296): TSTPTQGESK[Arg286Cys]ITLVLQQPQS